The following is an entry in ClinVar:

ClinVar aggregate classification (germline): Uncertain significance (1 of 4 stars; one submission).

Conditions:
Diffuse cerebral and cerebellar atrophy - intractable seizures - progressive microcephaly syndrome. Also called: Microcephaly, progressive, with seizures and cerebral and cerebellar atrophy. Identifiers: Orphanet 404437, MedGen C4014239, MONDO:0014335, OMIM 615760.

Allele frequency attached by ClinVar (database versions not stated): gnomAD exomes below 0.00001; ExAC 0.00001.

Submission:

Labcorp Genetics (formerly Invitae), Labcorp
Classification: Uncertain significance for Diffuse cerebral and cerebellar atrophy - intractable seizures - progressive microcephaly syndrome. Last evaluated: 2021-02-15. Review status: criteria provided, single submitter. Criteria: Invitae Variant Classification Sherloc (09022015). Collection method: clinical testing. Allele origin: germline.
Comment: In summary, the available evidence is currently insufficient to determine the role of this variant in disease. Therefore, it has been classified as a Variant of Uncertain Significance. Algorithms developed to predict the effect of missense changes on protein structure and function are either unavailable or do not agree on the potential impact of this missense change (SIFT: "Tolerated"; PolyPhen-2: "Probably Damaging"; Align-GVGD: "Class C0"). This variant has not been reported in the literature in individuals with QARS-related conditions. This variant is present in population databases (rs775185486, ExAC 0.001%). This sequence change replaces histidine with tyrosine at codon 551 of the QARS protein (p.His551Tyr). The histidine residue is highly conserved and there is a moderate physicochemical difference between histidine and tyrosine.

NM_005051.3(QARS1):c.1651C>T (p.His551Tyr)

Gene: QARS1 (glutaminyl-tRNA synthetase 1; minus strand). Cytogenetic location: 3p21.31.
Variant type: single nucleotide variant.
Coding change: c.1651C>T on transcript NM_005051.3 (MANE Select); coding-DNA position 1651, C replaced by T.
Protein change: p.His551Tyr; replaces histidine 551 with tyrosine.
Molecular consequence: missense variant. On other transcripts: non-coding transcript variant (1).
Genome position (GRCh38, 1-based): chr3:49,099,217, G>A on the plus strand (C>T on the coding strand, the complement: QARS1 is on the minus strand). VCF-style: chr3-49099217-G-A. GRCh37 (hg19) VCF-style: chr3-49136650-G-A.
Other names: c.1618C>T, p.His540Tyr (NM_001272073.2); short protein forms H551Y, H540Y.
Identifiers: ClinVar variation 1372598 (VCV001372598.8), dbSNP rs775185486, ClinGen allele CA2391680.